The following is an entry in ClinVar:

ClinVar aggregate classification (germline): Uncertain significance (1 of 4 stars; one submission).

Conditions:
Hereditary cancer-predisposing syndrome. Also called: Hereditary Cancer Syndrome; Hereditary neoplastic syndrome; Tumor predisposition; Neoplastic Syndromes, Hereditary. Identifiers: Orphanet 140162, MedGen C0027672, MeSH D009386, MONDO:0015356.

Submission:

Ambry Genetics
Classification: Uncertain significance for Hereditary cancer-predisposing syndrome. Last evaluated: 2022-06-03. Review status: criteria provided, single submitter. Criteria: Ambry Variant Classification Scheme 2023. Collection method: clinical testing. Allele origin: germline.
Comment: The p.P827S variant (also known as c.2479C>T), located in coding exon 23 of the RB1 gene, results from a C to T substitution at nucleotide position 2479. The proline at codon 827 is replaced by serine, an amino acid with similar properties. This amino acid position is highly conserved in available vertebrate species. In addition, the in silico prediction for this alteration is inconclusive. Since supporting evidence is limited at this time, the clinical significance of this alteration remains unclear.

NM_000321.3(RB1):c.2479C>T (p.Pro827Ser)

Gene: RB1 (RB transcriptional corepressor 1; plus strand). Cytogenetic location: 13q14.2.
Variant type: single nucleotide variant.
Coding change: c.2479C>T on transcript NM_000321.3 (MANE Select); coding-DNA position 2479, C replaced by T.
Protein change: p.Pro827Ser; replaces proline 827 with serine.
Molecular consequence: missense variant.
Genome position (GRCh38, 1-based): chr13:48,465,358, C>T. VCF-style: chr13-48465358-C-T. GRCh37 (hg19) VCF-style: chr13-49039494-C-T.
Other names: c.2479C>T, p.Pro827Ser (NM_001407165.1); short protein forms P827S.
Identifiers: ClinVar variation 1791878 (VCV001791878.2), dbSNP rs1949433950, ClinGen allele CA388168071.